The following is an entry in ClinVar:

NM_000222.3(KIT):c.1223A>G (p.Tyr408Cys)

Gene: KIT (KIT proto-oncogene, receptor tyrosine kinase; plus strand). Cytogenetic location: 4q12.
Variant type: single nucleotide variant.
Coding change: c.1223A>G on transcript NM_000222.3 (MANE Select); coding-DNA position 1223, A replaced by G.
Protein change: p.Tyr408Cys; replaces tyrosine 408 with cysteine.
Molecular consequence: missense variant.
Genome position (GRCh38, 1-based): chr4:54,709,531, A>G. VCF-style: chr4-54709531-A-G. GRCh37 (hg19) VCF-style: chr4-55575697-A-G.
Other names: c.1223A>G, p.Tyr408Cys (NM_001093772.2, NM_001385285.1, NM_001385286.1); c.1226A>G, p.Tyr409Cys (NM_001385284.1, NM_001385288.1, NM_001385290.1 and 1 more transcripts); short protein forms Y408C, Y409C.
Identifiers: ClinVar variation 3640107 (VCV003640107.2).

ClinVar aggregate classification (germline): Uncertain significance (1 of 4 stars; one submission).

Conditions:
Gastrointestinal stromal tumor. Also called: Gastrointestinal stromal tumor, somatic; Gastrointestinal stroma tumor. Identifiers: Orphanet 44890, MedGen C0238198, MeSH D046152, MONDO:0011719, OMIM 606764, HP:0100723.

Submission:

Labcorp Genetics (formerly Invitae), Labcorp
Classification: Uncertain significance for Gastrointestinal stromal tumor. Last evaluated: 2024-02-11. Review status: criteria provided, single submitter. Criteria: Invitae Variant Classification Sherloc (09022015). Collection method: clinical testing. Allele origin: germline.
Comment: This sequence change replaces tyrosine, which is neutral and polar, with cysteine, which is neutral and slightly polar, at codon 408 of the KIT protein (p.Tyr408Cys). This variant is not present in population databases (gnomAD no frequency). This variant has not been reported in the literature in individuals affected with KIT-related conditions. An algorithm developed to predict the effect of missense changes on protein structure and function (PolyPhen-2) suggests that this variant is likely to be disruptive. In summary, the available evidence is currently insufficient to determine the role of this variant in disease. Therefore, it has been classified as a Variant of Uncertain Significance.